The following is an entry in ClinVar:

ClinVar aggregate classification (germline): Uncertain significance (1 of 4 stars; one submission).

Conditions:
Frontotemporal dementia (FTD1). Also called: Frontotemporal Dementia with Parkinsonism-17 (FTDP-17); Frontotemporal lobe dementia (FLDEM); Dementia, frontotemporal, with or without parkinsonism; FRONTOTEMPORAL DEMENTIA WITH PARKINSONISM; FRONTOTEMPORAL LOBE DEMENTIA; MULTIPLE SYSTEM TAUOPATHY WITH PRESENILE DEMENTIA. Identifiers: Orphanet 282, MedGen C0338451, MONDO:0017276, OMIM 600274, HP:0002145.

Allele frequency attached by ClinVar (database versions not stated): gnomAD 0.00001; gnomAD exomes 0.00001; TOPMed 0.00001; ExAC 0.00002.
gnomAD v4.1: 12 of 1,614,056 alleles (0.00074%); highest among the groups gnomAD compares: Admixed American, 0.0033%; no homozygotes.

Submission:

Labcorp Genetics (formerly Invitae), Labcorp
Classification: Uncertain significance for Frontotemporal dementia. Last evaluated: 2021-12-22. Review status: criteria provided, single submitter. Criteria: Invitae Variant Classification Sherloc (09022015). Collection method: clinical testing. Allele origin: germline.
Comment: In summary, the available evidence is currently insufficient to determine the role of this variant in disease. Therefore, it has been classified as a Variant of Uncertain Significance. Algorithms developed to predict the effect of missense changes on protein structure and function output the following: SIFT: "Tolerated"; PolyPhen-2: "Benign"; Align-GVGD: "Class C0". The asparagine amino acid residue is found in multiple mammalian species, which suggests that this missense change does not adversely affect protein function. This missense change has been observed in individual(s) with clinical features of autosomal dominant frontotemporal dementia (PMID: 23047372). This variant is present in population databases (rs748310006, gnomAD 0.007%). This sequence change replaces aspartic acid, which is acidic and polar, with asparagine, which is neutral and polar, at codon 418 of the MAPT protein (p.Asp418Asn).

Literature cited by the submitters: PubMed 23047372.

NM_001377265.1(MAPT):c.2428G>A (p.Asp810Asn)

Gene: MAPT (microtubule associated protein tau). Cytogenetic location: 17q21.31.
Variant type: single nucleotide variant.
Coding change: c.2428G>A on transcript NM_001377265.1 (MANE Select); coding-DNA position 2428, G replaced by A.
Protein change: p.Asp810Asn; replaces aspartic acid 810 with asparagine.
Molecular consequence: missense variant. On other transcripts: non-coding transcript variant (1), intron variant (1).
Genome position (GRCh38, 1-based): chr17:46,024,097, G>A. VCF-style: chr17-46024097-G-A. GRCh37 (hg19) VCF-style: chr17-44101463-G-A.
Other names: c.2257G>A, p.Asp753Asn (NM_001123066.4); c.1165G>A, p.Asp389Asn (NM_001123067.4); c.1072G>A, p.Asp358Asn (NM_001203251.2); c.1159G>A, p.Asp387Asn (NM_001203252.2); c.2137G>A, p.Asp713Asn (NM_001377266.1); c.985G>A, p.Asp329Asn (NM_001377268.1, NM_016841.5); c.1252G>A, p.Asp418Asn (NM_005910.6); c.1078G>A, p.Asp360Asn (NM_016834.5); and 2 more; short protein forms D358N, D387N, D713N, D418N, D360N, D753N, D810N, D329N.
Identifiers: ClinVar variation 1372289 (VCV001372289.6), dbSNP rs748310006, ClinGen allele CA8618270.
Genomic context (GRCh38, chr17:46,024,097, plus strand): 5'-GTGGTGTCTGGGGACACGTCTCCACGGCATCTCAGCAATGTCTCCTCCACCGGCAGCATC[G>A]ACATGGTAGACTCGCCCCAGCTCGCCACGCTAGCTGACGAGGTGTCTGCCTCCCTGGCCA-3'
Protein context (NP_001364194.1, residues 800-820): LSNVSSTGSI[Asp810Asn]MVDSPQLATL